The following is an entry in ClinVar:

NM_001277115.2(DNAH11):c.9336+1G>T

Gene: DNAH11 (dynein axonemal heavy chain 11; plus strand). Cytogenetic location: 7p15.3.
Variant type: single nucleotide variant.
Coding change: c.9336+1G>T on transcript NM_001277115.2 (MANE Select); the canonical splice donor site of the intron after coding-DNA position 9336, G replaced by T.
Molecular consequence: splice donor variant.
Genome position (GRCh38, 1-based): chr7:21,774,000, G>T. VCF-style: chr7-21774000-G-T. GRCh37 (hg19) VCF-style: chr7-21813618-G-T.
Identifiers: ClinVar variation 3673385 (VCV003673385.2).

ClinVar aggregate classification (germline): Pathogenic (1 of 4 stars; one submission).

Conditions:
Primary ciliary dyskinesia. Also called: Ciliary dyskinesia. Identifiers: Orphanet 244, MedGen C0008780, MONDO:0016575, HP:0012265.

gnomAD v4.1: 3 of 1,553,728 alleles (0.00019%); highest among the groups gnomAD compares: Non-Finnish European, 0.00026%; no homozygotes.

Submission:

Labcorp Genetics (formerly Invitae), Labcorp
Classification: Pathogenic for Primary ciliary dyskinesia. Last evaluated: 2024-03-13. Review status: criteria provided, single submitter. Criteria: Invitae Variant Classification Sherloc (09022015). Collection method: clinical testing. Allele origin: germline.
Comment: This sequence change affects a donor splice site in intron 56 of the DNAH11 gene. It is expected to disrupt RNA splicing. Variants that disrupt the donor or acceptor splice site typically lead to a loss of protein function (PMID: 16199547), and loss-of-function variants in DNAH11 are known to be pathogenic (PMID: 18022865, 20513915, 22184204). This variant is not present in population databases (gnomAD no frequency). Disruption of this splice site has been observed in individual(s) with DNAH11-related disease (Invitae). Algorithms developed to predict the effect of sequence changes on RNA splicing suggest that this variant may disrupt the consensus splice site. For these reasons, this variant has been classified as Pathogenic.

Literature cited by the submitters: PubMed 16199547; PubMed 18022865; PubMed 20513915; PubMed 22184204.